The following is an entry in ClinVar:

NM_206933.4(USH2A):c.10518G>A (p.Thr3506=)

Gene: USH2A (usherin; minus strand). Cytogenetic location: 1q41.
Variant type: single nucleotide variant.
Coding change: c.10518G>A on transcript NM_206933.4 (MANE Select); coding-DNA position 10518, G replaced by A.
Protein change: p.Thr3506=; no amino-acid change (threonine 3506 retained).
Molecular consequence: synonymous variant.
Genome position (GRCh38, 1-based): chr1:215,782,805, C>T on the plus strand (G>A on the coding strand, the complement: USH2A is on the minus strand). VCF-style: chr1-215782805-C-T. GRCh37 (hg19) VCF-style: chr1-215956147-C-T.
Identifiers: ClinVar variation 228202 (VCV000228202.28), dbSNP rs114719960, ClinGen allele CA1393997.
Genomic context (GRCh38, chr1:215,782,805, plus strand): 5'-TTGTATAGGTTTTCTCCAGTTTAAGACAATTGTATCTTCAAGATTGTCTATTTTGGTCCA[C>T]GTAGGGGGACTCACTCCTTGAGGCACATCTTCTTTTGTTCTGGCTCTCACAGCTTTGCTG-3'
Protein context (NP_996816.3, residues 3496-3516): EDVPQGVSPP[Thr3506=]WTKIDNLEDT

ClinVar aggregate classification (germline): Benign/Likely benign. Review status: criteria provided, multiple submitters, no conflicts (2 of 4 stars). 8 submissions from 7 submitters: Benign (1); Likely benign (6). 1 of the submissions does not count toward it. Last evaluated 2026-01-24.

Conditions:
Retinitis pigmentosa 39 (RP39). Identifiers: Orphanet 791, MedGen C3151138, MONDO:0013436, OMIM 613809.
Usher syndrome type 2A. Also called: RETINAL DISEASE IN USHER SYNDROME TYPE IIA, MODIFIER OF; USHER SYNDROME, TYPE IIA. Identifiers: Orphanet 231178, Orphanet 886, MedGen C1848634, MONDO:0010169, OMIM 276901.

Allele frequency attached by ClinVar (database versions not stated): gnomAD exomes 0.00017 and 0.00029; ExAC 0.00035; 1000 Genomes Project 30x 0.00094; 1000 Genomes Project 0.00100; gnomAD 0.00132 and 0.00141; TOPMed 0.00153; ESP Exome Variant Server 0.00192.
gnomAD v4.1: 466 of 1,613,962 alleles (0.029%); highest among the groups gnomAD compares: African/African-American, 0.48%; 1 homozygote.

Submissions (8):

Labcorp Genetics (formerly Invitae), Labcorp
Classification: Benign. Last evaluated: 2026-01-24. Review status: criteria provided, single submitter. Criteria: Invitae Variant Classification Sherloc (09022015). Collection method: clinical testing. Allele origin: germline.

CeGaT Center for Human Genetics Tuebingen
Classification: Likely benign. Last evaluated: 2025-09-01. Review status: criteria provided, single submitter. Criteria: CeGaT Center For Human Genetics Tuebingen Variant Classification Criteria Version 2. Collection method: clinical testing. Allele origin: germline. Affected: yes. Observed: 2 variant alleles.
Comment: USH2A: BP4, BP7

Blueprint Genetics
Classification: Likely benign. Last evaluated: 2024-10-24. Review status: criteria provided, single submitter. Criteria: ACMG Guidelines, 2015. Collection method: clinical testing. Allele origin: germline.

Genome-Nilou Lab
Classification: Likely benign for Retinitis pigmentosa 39. Last evaluated: 2023-11-04. Review status: criteria provided, single submitter. Criteria: ACMG Guidelines, 2015. Collection method: clinical testing. Allele origin: germline. Affected: no.

Genome-Nilou Lab
Classification: Likely benign for Usher syndrome type 2A. Last evaluated: 2023-11-04. Review status: criteria provided, single submitter. Criteria: ACMG Guidelines, 2015. Collection method: clinical testing. Allele origin: germline. Affected: no.

GeneDx
Classification: Likely benign. Last evaluated: 2021-03-03. Review status: criteria provided, single submitter. Criteria: GeneDx Variant Classification Process June 2021. Collection method: clinical testing. Allele origin: germline. Affected: yes.

Laboratory for Molecular Medicine, Mass General Brigham Personalized Medicine
Classification: Likely benign. Last evaluated: 2015-07-20. Review status: criteria provided, single submitter. Criteria: LMM Criteria. Collection method: clinical testing. Allele origin: germline. Observed: 3 variant alleles.
Comment: p.Thr3506Thr in Exon 53 of USH2A: This variant is not expected to have clinical significance because it does not alter an amino acid residue, is not located wit hin the splice consensus sequence, and has been identified in 0.4% (39/10404) of African chromosomes by the Exome Aggregation Consortium (ExAC; dbSNP rs114719960).

Natera, Inc.
Classification: Likely benign for Usher syndrome type 2A. Last evaluated: 2019-12-08. Review status: no assertion criteria provided. Collection method: clinical testing. Allele origin: germline. Not counted in ClinVar's aggregate classification.